The following is an entry in ClinVar:

NM_001711.6(BGN):c.391G>A (p.Glu131Lys)

Gene: BGN (biglycan; plus strand). Cytogenetic location: Xq28.
Variant type: single nucleotide variant.
Coding change: c.391G>A on transcript NM_001711.6 (MANE Select); coding-DNA position 391, G replaced by A.
Protein change: p.Glu131Lys; replaces glutamic acid 131 with lysine.
Molecular consequence: missense variant.
Genome position (GRCh38, 1-based): chrX:153,505,902, G>A. VCF-style: chrX-153505902-G-A. GRCh37 (hg19) VCF-style: chrX-152771360-G-A.
Other names: short protein forms E131K.
Identifiers: ClinVar variation 3022617 (VCV003022617.3), dbSNP rs1020237887, ClinGen allele CA337214084.
Genomic context (GRCh38, chrX:153,505,902, plus strand): 5'-CCTCCGCCCACCCTGCTTCAGGCCCTCGTCCTGGTGAACAACAAGATCTCCAAGATCCAT[G>A]AGAAGGCCTTCAGCCCACTGCGGAAGCTGCAGAAGCTCTACATCTCCAAGAACCACCTGG-3'
Protein context (NP_001702.1, residues 121-141): LVNNKISKIH[Glu131Lys]KAFSPLRKLQ

ClinVar aggregate classification (germline): Uncertain significance (1 of 4 stars; one submission).

Allele frequency attached by ClinVar (database versions not stated): gnomAD exomes below 0.00001.
gnomAD v4.1: 3 of 1,211,759 alleles (0.00025%); highest among the groups gnomAD compares: Admixed American, 0.0022%; no homozygotes.

Submission:

Labcorp Genetics (formerly Invitae), Labcorp
Classification: Uncertain significance. Last evaluated: 2025-04-15. Review status: criteria provided, single submitter. Criteria: Invitae Variant Classification Sherloc (09022015). Collection method: clinical testing. Allele origin: germline.
Comment: This sequence change replaces glutamic acid, which is acidic and polar, with lysine, which is basic and polar, at codon 131 of the BGN protein (p.Glu131Lys). This variant is present in population databases (no rsID available, gnomAD 0.004%). This variant has not been reported in the literature in individuals affected with BGN-related conditions. ClinVar contains an entry for this variant (Variation ID: 3022617). Invitae Evidence Modeling of protein sequence and biophysical properties (such as structural, functional, and spatial information, amino acid conservation, physicochemical variation, residue mobility, and thermodynamic stability) indicates that this missense variant is not expected to disrupt BGN protein function with a negative predictive value of 80%. In summary, the available evidence is currently insufficient to determine the role of this variant in disease. Therefore, it has been classified as a Variant of Uncertain Significance.